The following is an entry in ClinVar:

ClinVar aggregate classification (germline): Uncertain significance (1 of 4 stars; one submission).

Submission:

Ambry Genetics
Classification: Uncertain significance. Last evaluated: 2026-07-30. Review status: criteria provided, single submitter. Criteria: Ambry Variant Classification Scheme 2023. Collection method: clinical testing. Allele origin: germline.
Comment: The p.S1768* variant (also known as c.5303C>A), located in coding exon 46 of the KIF1B gene, results from a C to A substitution at nucleotide position 5303. This changes the amino acid from a serine to a stop codon within coding exon 46. The evidence for this gene-disease relationship is limited; therefore, the clinical significance of this variant is unclear.

NM_001365951.3(KIF1B):c.5441C>A (p.Ser1814Ter)

Gene: KIF1B (kinesin family member 1B; plus strand). Cytogenetic location: 1p36.22.
Variant type: single nucleotide variant.
Coding change: c.5441C>A on transcript NM_001365951.3 (MANE Select); coding-DNA position 5441, C replaced by A.
Protein change: p.Ser1814Ter; replaces serine 1814 with a stop codon.
Molecular consequence: nonsense.
Genome position (GRCh38, 1-based): chr1:10,376,577, C>A. VCF-style: chr1-10376577-C-A. GRCh37 (hg19) VCF-style: chr1-10436635-C-A.
Other names: c.5441C>A, p.Ser1814Ter (NM_001365952.1); c.5303C>A, p.Ser1768Ter (NM_015074.3); short protein forms S1768*, S1814*.
Identifiers: ClinVar variation 1746716 (VCV001746716.3), dbSNP rs761319935, ClinGen allele CA338332193.